The following is an entry in ClinVar:

ClinVar aggregate classification (germline): Uncertain significance (1 of 4 stars; one submission).

Conditions:
Hereditary cancer-predisposing syndrome. Also called: Neoplastic Syndromes, Hereditary; Tumor predisposition; Hereditary Cancer Syndrome; Hereditary neoplastic syndrome. Identifiers: Orphanet 140162, MedGen C0027672, MeSH D009386, MONDO:0015356.

Submission:

Ambry Genetics
Classification: Uncertain significance for Hereditary cancer-predisposing syndrome. Last evaluated: 2026-01-15. Review status: criteria provided, single submitter. Criteria: Ambry Variant Classification Scheme 2023. Collection method: clinical testing. Allele origin: germline.
Comment: The p.V1056E variant (also known as c.3167T>A), located in coding exon 4 of the MSH6 gene, results from a T to A substitution at nucleotide position 3167. The valine at codon 1056 is replaced by glutamic acid, an amino acid with dissimilar properties. This amino acid position is conserved. In addition, this alteration is predicted to be deleterious by in silico analysis. Based on the available evidence, the clinical significance of this variant remains unclear.

NM_000179.3(MSH6):c.3167T>A (p.Val1056Glu)

Gene: MSH6 (mutS homolog 6; plus strand). Cytogenetic location: 2p16.3.
Variant type: single nucleotide variant.
Coding change: c.3167T>A on transcript NM_000179.3 (MANE Select); coding-DNA position 3167, T replaced by A.
Protein change: p.Val1056Glu; replaces valine 1056 with glutamic acid.
Molecular consequence: missense variant. On other transcripts: non-coding transcript variant (5), intron variant (2).
Genome position (GRCh38, 1-based): chr2:47,801,150, T>A. VCF-style: chr2-47801150-T-A. GRCh37 (hg19) VCF-style: chr2-48028289-T-A.
Other names: c.2777T>A, p.Val926Glu (NM_001281492.2); c.2261T>A, p.Val754Glu (NM_001281493.2, NM_001281494.2, NM_001406811.1 and 6 more transcripts); c.3263T>A, p.Val1088Glu (NM_001406795.1, NM_001406802.1); c.3167T>A, p.Val1056Glu (NM_001406796.1, NM_001406798.1, NM_001406800.1 and 2 more transcripts); c.2870T>A, p.Val957Glu (NM_001406797.1, NM_001406801.1, NM_001406805.1 and 10 more transcripts); c.2642T>A, p.Val881Glu (NM_001406799.1, NM_001406806.1, NM_001406807.1); c.3089T>A, p.Val1030Glu (NM_001406804.1); c.3173T>A, p.Val1058Glu (NM_001406813.1); and 4 more; short protein forms V1000E, V1088E, V881E, V926E, V1056E, V1058E, V957E, V1030E.
Identifiers: ClinVar variation 4825251 (VCV004825251.1).
Genomic context (GRCh38, chr2:47,801,150, plus strand): 5'-TGTTCTATAACTTTGATAAAAATTACAAGGACTGGCAGTCTGCTGTAGAGTGTATCGCAG[T>A]GTTGGGTAAGACTTTGAACAAGCTTGTTCTCAGGCTTTGATAAGTAGTGCTGTTTGCCAG-3'
Protein context (NP_000170.1, residues 1046-1066): DWQSAVECIA[Val1056Glu]LDVLLCLANY